The following is an entry in ClinVar:

ClinVar aggregate classification (germline): Uncertain significance (1 of 4 stars; one submission).

Submission:

Women's Health and Genetics/Laboratory Corporation of America, LabCorp
Classification: Uncertain significance. Last evaluated: 2023-07-13. Review status: criteria provided, single submitter. Criteria: LabCorp Variant Classification Summary - May 2015. Collection method: clinical testing. Allele origin: germline.
Comment: Variant summary: PANK2 c.898A>G (p.Arg300Gly), also referred to as c.568A>G in the literature, results in a non-conservative amino acid change in the encoded protein sequence. Four of five in-silico tools predict a damaging effect of the variant on protein function. The variant was absent in 251108 control chromosomes (gnomAD). The available data on variant occurrences in the general population are insufficient to allow any conclusion about variant significance. c.898A>G has been reported in the literature as a compound heterozygous genotype together with a pathogenic variant (phase not specified/confirmed) in an individual affected with Pantothenate Kinase-Associated Neurodegeneration (Egan_2005). These data do not allow any conclusion about variant significance. To our knowledge, no experimental evidence demonstrating an impact on protein function has been reported. The following publication has been ascertained in the context of this evaluation (PMID: 16023068). No submitters have cited clinical-significance assessments for this variant to ClinVar after 2014. Based on the evidence outlined above, the variant was classified as uncertain significance.

Literature cited by the submitters: PubMed 16023068.

NM_001386393.1(PANK2):c.568A>G (p.Arg190Gly)

Gene: PANK2 (pantothenate kinase 2; plus strand). Cytogenetic location: 20p13.
Variant type: single nucleotide variant.
Coding change: c.568A>G on transcript NM_001386393.1 (MANE Select); coding-DNA position 568, A replaced by G.
Protein change: p.Arg190Gly; replaces arginine 190 with glycine.
Molecular consequence: missense variant. On other transcripts: intron variant (1).
Genome position (GRCh38, 1-based): chr20:3,908,195, A>G. VCF-style: chr20-3908195-A-G. GRCh37 (hg19) VCF-style: chr20-3888842-A-G.
Other names: c.25A>G, p.Arg9Gly (NM_001324191.2, NM_024960.6, NM_153640.4); c.898A>G, p.Arg300Gly (NM_001324192.1, NM_153638.4); c.-328+60A>G (NM_001324193.2); short protein forms R190G, R300G, R9G.
Identifiers: ClinVar variation 2577195 (VCV002577195.1), dbSNP rs2515490844, ClinGen allele CA408112736.